The following is an entry in ClinVar:

ClinVar aggregate classification (germline): Uncertain significance (1 of 4 stars; one submission).

Conditions:
Hereditary cancer-predisposing syndrome. Also called: Tumor predisposition; Neoplastic Syndromes, Hereditary; Hereditary neoplastic syndrome; Hereditary Cancer Syndrome. Identifiers: Orphanet 140162, MedGen C0027672, MeSH D009386, MONDO:0015356.

Submission:

Ambry Genetics
Classification: Uncertain significance for Hereditary cancer-predisposing syndrome. Last evaluated: 2025-08-27. Review status: criteria provided, single submitter. Criteria: Ambry Variant Classification Scheme 2023. Collection method: clinical testing. Allele origin: germline.
Comment: The p.N531T variant (also known as c.1592A>C), located in coding exon 16 of the MUTYH gene, results from an A to C substitution at nucleotide position 1592. The asparagine at codon 531 is replaced by threonine, an amino acid with similar properties. This amino acid position is conserved. In addition, this alteration is predicted to be tolerated by in silico analysis. Based on the available evidence, the clinical significance of this variant remains unclear.

NM_001048174.2(MUTYH):c.1508A>C (p.Asn503Thr)

Gene: MUTYH (mutY DNA glycosylase; minus strand). Cytogenetic location: 1p34.1.
Variant type: single nucleotide variant.
Coding change: c.1508A>C on transcript NM_001048174.2 (MANE Select); coding-DNA position 1508, A replaced by C.
Protein change: p.Asn503Thr; replaces asparagine 503 with threonine.
Molecular consequence: missense variant. On other transcripts: non-coding transcript variant (7).
Genome position (GRCh38, 1-based): chr1:45,329,364, T>G on the plus strand (A>C on the coding strand, the complement: MUTYH is on the minus strand). VCF-style: chr1-45329364-T-G. GRCh37 (hg19) VCF-style: chr1-45795036-T-G.
Other names: c.1511A>C, p.Asn504Thr (NM_001407078.1, NM_001407086.1, NM_001048172.2 and 1 more transcripts); c.1469A>C, p.Asn490Thr (NM_001407079.1); c.1466A>C, p.Asn489Thr (NM_001407080.1); c.1508A>C, p.Asn503Thr (NM_001407081.1, NM_001407088.1, NM_001407089.1 and 6 more transcripts); c.1163A>C, p.Asn388Thr (NM_001407082.1, NM_001350650.2, NM_001350651.2); c.1550A>C, p.Asn517Thr (NM_001407083.1, NM_001407085.1); c.1529A>C, p.Asn510Thr (NM_001407087.1); c.1541A>C, p.Asn514Thr (NM_001407077.1, NM_001293191.2, NM_001407069.1); and 5 more; short protein forms N517T, N475T, N489T, N490T, N504T, N388T, N503T, N514T.
Identifiers: ClinVar variation 4113408 (VCV004113408.1).